The following is an entry in ClinVar:

NM_001127208.3(TET2):c.5582G>T (p.Gly1861Val)

Genes: TET2 (tet methylcytosine dioxygenase 2; plus strand), TET2-AS1 (TET2 antisense RNA 1; minus strand). Cytogenetic location: 4q24.
Variant type: single nucleotide variant.
Coding change: c.5582G>T on transcript NM_001127208.3 (MANE Select); coding-DNA position 5582, G replaced by T.
Protein change: p.Gly1861Val; replaces glycine 1861 with valine.
Molecular consequence: missense variant.
Genome position (GRCh38, 1-based): chr4:105,276,092, G>T. VCF-style: chr4-105276092-G-T. GRCh37 (hg19) VCF-style: chr4-106197249-G-T.
Other names: short protein forms G1861V.
Identifiers: ClinVar variation 3664499 (VCV003664499.2).

ClinVar aggregate classification (germline): Uncertain significance (1 of 4 stars; one submission).

Submission:

Labcorp Genetics (formerly Invitae), Labcorp
Classification: Uncertain significance. Last evaluated: 2024-09-04. Review status: criteria provided, single submitter. Criteria: Invitae Variant Classification Sherloc (09022015). Collection method: clinical testing. Allele origin: germline.
Comment: This sequence change replaces glycine, which is neutral and non-polar, with valine, which is neutral and non-polar, at codon 1861 of the TET2 protein (p.Gly1861Val). This variant is not present in population databases (gnomAD no frequency). This variant has not been reported in the literature in individuals affected with TET2-related conditions. An algorithm developed to predict the effect of missense changes on protein structure and function (PolyPhen-2) suggests that this variant is likely to be disruptive. In summary, the available evidence is currently insufficient to determine the role of this variant in disease. Therefore, it has been classified as a Variant of Uncertain Significance.